The following is an entry in ClinVar:

NM_014855.3(AP5Z1):c.208C>T (p.Gln70Ter)

Gene: AP5Z1 (adaptor related protein complex 5 subunit zeta 1; plus strand). Cytogenetic location: 7p22.1.
Variant type: single nucleotide variant.
Coding change: c.208C>T on transcript NM_014855.3 (MANE Select); coding-DNA position 208, C replaced by T.
Protein change: p.Gln70Ter; replaces glutamine 70 with a stop codon.
Molecular consequence: nonsense. On other transcripts: non-coding transcript variant (1), intron variant (1).
Genome position (GRCh38, 1-based): chr7:4,781,596, C>T. VCF-style: chr7-4781596-C-T. GRCh37 (hg19) VCF-style: chr7-4821227-C-T.
Other names: c.-103+284C>T (NM_001364858.1); short protein forms Q70*.
Identifiers: ClinVar variation 5007215 (VCV005007215.2).

ClinVar aggregate classification (germline): Likely pathogenic (1 of 4 stars; one submission).

Conditions:
Hereditary spastic paraplegia 48. Also called: Spastic paraplegia 48; SPASTIC PARAPLEGIA 48, AUTOSOMAL RECESSIVE. Identifiers: Orphanet 306511, MedGen C3150901, MONDO:0013342, OMIM 613647.

Submission:

Juno Genomics, Hangzhou Juno Genomics, Inc
Classification: Likely pathogenic for Hereditary spastic paraplegia 48. Review status: criteria provided, single submitter. Criteria: ACMG Guidelines, 2015. Collection method: clinical testing. Allele origin: germline.
Comment: Null variant in a gene where loss of function (LOF) is a known mechanism of disease.;Absent from controls (or at extremely low frequency if recessive) in Genome Aggregation Database.